The following is an entry in ClinVar:

NM_020366.4(RPGRIP1):c.870G>T (p.Leu290Phe)

Gene: RPGRIP1 (RPGR interacting protein 1; plus strand). Cytogenetic location: 14q11.2.
Variant type: single nucleotide variant.
Coding change: c.870G>T on transcript NM_020366.4 (MANE Select); coding-DNA position 870, G replaced by T.
Protein change: p.Leu290Phe; replaces leucine 290 with phenylalanine.
Molecular consequence: missense variant.
Genome position (GRCh38, 1-based): chr14:21,307,800, G>T. VCF-style: chr14-21307800-G-T. GRCh37 (hg19) VCF-style: chr14-21775959-G-T.
Other names: short protein forms L290F.
Identifiers: ClinVar variation 1391070 (VCV001391070.6), dbSNP rs1459207230, ClinGen allele CA388861656.
Genomic context (GRCh38, chr14:21,307,800, plus strand): 5'-TAAAGAGAAGGTAGAGCTGATTCGACTTAAGAAGCTCTTACATGAAAGAAATGCTTCATT[G>T]GTTATGACAAAAGCACAATTAACAGAAGTTCAAGAGGTGAGTTGCCATCATCAGCTGTGC-3'
Protein context (NP_065099.3, residues 280-300): KKLLHERNAS[Leu290Phe]VMTKAQLTEV

ClinVar aggregate classification (germline): Uncertain significance (1 of 4 stars; one submission).

Conditions:
Leber congenital amaurosis 6 (LCA6). Identifiers: Orphanet 65, MedGen C1854260, MONDO:0013446, OMIM 613826.
Cone-rod dystrophy 13 (CORD13). Identifiers: Orphanet 1872, MedGen C2750720, MONDO:0011987, OMIM 608194.

Allele frequency attached by ClinVar (database versions not stated): gnomAD exomes below 0.00001.
gnomAD v4.1: 1 of 1,566,726 alleles (0.000064%); highest among the groups gnomAD compares: South Asian, 0.0012%; no homozygotes.

Submission:

Labcorp Genetics (formerly Invitae), Labcorp
Classification: Uncertain significance for Leber congenital amaurosis 6; Cone-rod dystrophy 13. Last evaluated: 2021-11-10. Review status: criteria provided, single submitter. Criteria: Invitae Variant Classification Sherloc (09022015). Collection method: clinical testing. Allele origin: germline.
Comment: This sequence change replaces leucine, which is neutral and non-polar, with phenylalanine, which is neutral and non-polar, at codon 290 of the RPGRIP1 protein (p.Leu290Phe). This variant is not present in population databases (gnomAD no frequency). This variant has not been reported in the literature in individuals affected with RPGRIP1-related conditions. Algorithms developed to predict the effect of missense changes on protein structure and function are either unavailable or do not agree on the potential impact of this missense change (SIFT: "Deleterious"; PolyPhen-2: "Probably Damaging"; Align-GVGD: "Class C0"). In summary, the available evidence is currently insufficient to determine the role of this variant in disease. Therefore, it has been classified as a Variant of Uncertain Significance.